The following is an entry in ClinVar:

NM_002087.4(GRN):c.287A>G (p.His96Arg)

Gene: GRN (granulin precursor; plus strand). Cytogenetic location: 17q21.31.
Variant type: single nucleotide variant.
Coding change: c.287A>G on transcript NM_002087.4 (MANE Select); coding-DNA position 287, A replaced by G.
Protein change: p.His96Arg; replaces histidine 96 with arginine.
Molecular consequence: missense variant.
Genome position (GRCh38, 1-based): chr17:44,349,689, A>G. VCF-style: chr17-44349689-A-G. GRCh37 (hg19) VCF-style: chr17-42427057-A-G.
Other names: c.287A>G (NM_002087.3); short protein forms H96R.
Identifiers: ClinVar variation 587860 (VCV000587860.13), dbSNP rs139272628, ClinGen allele CA8601827.

ClinVar aggregate classification (germline): Conflicting classifications of pathogenicity. Review status: criteria provided, conflicting classifications (1 of 4 stars). 3 submissions from 3 submitters: Uncertain significance (1); Likely benign (1). 1 of the submissions does not count toward it. Last evaluated 2025-04-28.

Conditions:
Inborn genetic diseases. Identifiers: MedGen C0950123, MeSH D030342.
GRN-related disorder. Also called: GRN-related condition; GRN-related disorders.
GRN-related frontotemporal lobar degeneration with Tdp43 inclusions (FTD2). Also called: GRN Frontotemporal Dementia; DEMENTIA, HEREDITARY DYSPHASIC DISINHIBITION; FRONTOTEMPORAL LOBAR DEGENERATION WITH UBIQUITIN-POSITIVE INCLUSIONS; FTLD-TDP, GRN-RELATED; FRONTOTEMPORAL DEMENTIA WITH TDP43 INCLUSIONS, GRN-RELATED. Identifiers: Orphanet 100070, Orphanet 282, MedGen C1843792, MONDO:0011842, OMIM 607485. Disease mechanism: loss of function.
Neuronal ceroid lipofuscinosis 11. Also called: GRN-Related Neuronal Ceroid-Lipofuscinosis. Identifiers: Orphanet 314629, Orphanet 79262, MedGen C3539123, MONDO:0013866, OMIM 614706.

Allele frequency attached by ClinVar (database versions not stated): gnomAD exomes 0.00003 and 0.00004; ExAC 0.00005; ESP Exome Variant Server 0.00008; gnomAD 0.00018 and 0.00019; TOPMed 0.00021; 1000 Genomes Project 0.00080; 1000 Genomes Project 30x 0.00109.
gnomAD v4.1: 87 of 1,613,364 alleles (0.0054%); highest among the groups gnomAD compares: African/African-American, 0.036%; 1 homozygote.

Submissions (3):

Labcorp Genetics (formerly Invitae), Labcorp
Classification: Uncertain significance for Neuronal ceroid lipofuscinosis 11; GRN-related frontotemporal lobar degeneration with Tdp43 inclusions. Last evaluated: 2025-04-28. Review status: criteria provided, single submitter. Criteria: Invitae Variant Classification Sherloc (09022015). Collection method: clinical testing. Allele origin: germline.
Comment: This sequence change replaces histidine, which is basic and polar, with arginine, which is basic and polar, at codon 96 of the GRN protein (p.His96Arg). This variant is present in population databases (rs139272628, gnomAD 0.02%). This missense change has been observed in individual(s) with frontotemporal dementia (PMID: 38203682). ClinVar contains an entry for this variant (Variation ID: 587860). An algorithm developed to predict the effect of missense changes on protein structure and function outputs the following: PolyPhen-2: "Benign". The arginine amino acid residue is found in multiple mammalian species, which suggests that this missense change does not adversely affect protein function. In summary, the available evidence is currently insufficient to determine the role of this variant in disease. Therefore, it has been classified as a Variant of Uncertain Significance.

Ambry Genetics
Classification: Likely benign for Inborn genetic diseases. Last evaluated: 2016-07-15. Review status: criteria provided, single submitter. Criteria: Ambry Variant Classification Scheme 2023. Collection method: clinical testing. Allele origin: germline.

PreventionGenetics, part of Exact Sciences
Classification: Uncertain significance for GRN-related condition. Last evaluated: 2023-11-15. Review status: no assertion criteria provided. Collection method: clinical testing. Allele origin: germline. Not counted in ClinVar's aggregate classification.
Comment: The GRN c.287A>G variant is predicted to result in the amino acid substitution p.His96Arg. To our knowledge, this variant has not been reported in the literature. This variant is reported in 0.016% of alleles in individuals of African descent in gnomAD. At this time, the clinical significance of this variant is uncertain due to the absence of conclusive functional and genetic evidence.

Literature cited by the submitters: PubMed 38203682 (cited by Labcorp Genetics (formerly Invitae), Labcorp).